The following is an entry in ClinVar:

ClinVar aggregate classification (germline): Uncertain significance. Review status: criteria provided, multiple submitters, no conflicts (2 of 4 stars). 4 submissions from 4 submitters: Uncertain significance (4). Last evaluated 2024-09-30.

Conditions:
Familial cold autoinflammatory syndrome 2 (FCAS2). Identifiers: Orphanet 247868, MedGen C2673198, MONDO:0012724, OMIM 611762.
Inborn genetic diseases. Identifiers: MedGen C0950123, MeSH D030342.

Allele frequency attached by ClinVar (database versions not stated): gnomAD exomes below 0.00001; TOPMed below 0.00001.
gnomAD v4.1: 1 of 1,614,176 alleles (0.000062%); highest among the groups gnomAD compares: Non-Finnish European, 0.000085%; no homozygotes.

Submissions (4):

Ambry Genetics
Classification: Uncertain significance for Inborn genetic diseases. Last evaluated: 2024-09-30. Review status: criteria provided, single submitter. Criteria: Ambry Variant Classification Scheme 2023. Collection method: clinical testing. Allele origin: germline.

Fulgent Genetics
Classification: Uncertain significance for Familial cold autoinflammatory syndrome 2. Last evaluated: 2022-05-23. Review status: criteria provided, single submitter. Criteria: ACMG Guidelines, 2015. Collection method: clinical testing. Allele origin: unknown.

MGZ Medical Genetics Center
Classification: Uncertain significance for Familial cold autoinflammatory syndrome 2. Last evaluated: 2022-01-20. Review status: criteria provided, single submitter. Criteria: ACMG Guidelines, 2015. Collection method: clinical testing. Allele origin: germline. Affected: yes. Observed: 1 variant allele.
Comment: ACMG criteria applied: PM2_SUP, BP4

Labcorp Genetics (formerly Invitae), Labcorp
Classification: Uncertain significance for Familial cold autoinflammatory syndrome 2. Last evaluated: 2020-11-11. Review status: criteria provided, single submitter. Criteria: Invitae Variant Classification Sherloc (09022015). Collection method: clinical testing. Allele origin: germline.
Comment: In summary, the available evidence is currently insufficient to determine the role of this variant in disease. Therefore, it has been classified as a Variant of Uncertain Significance. Algorithms developed to predict the effect of missense changes on protein structure and function output the following: SIFT: "Tolerated"; PolyPhen-2: "Benign"; Align-GVGD: "Class C0". The tyrosine amino acid residue is found in multiple mammalian species, suggesting that this missense change does not adversely affect protein function. These predictions have not been confirmed by published functional studies and their clinical significance is uncertain. This variant has not been reported in the literature in individuals with NLRP12-related conditions. This variant is not present in population databases (ExAC no frequency). This sequence change replaces histidine with tyrosine at codon 704 of the NLRP12 protein (p.His704Tyr). The histidine residue is weakly conserved and there is a moderate physicochemical difference between histidine and tyrosine.

NM_144687.4(NLRP12):c.2110C>T (p.His704Tyr)

Gene: NLRP12 (NLR family pyrin domain containing 12; minus strand). Cytogenetic location: 19q13.42.
Variant type: single nucleotide variant.
Coding change: c.2110C>T on transcript NM_144687.4 (MANE Select); coding-DNA position 2110, C replaced by T.
Protein change: p.His704Tyr; replaces histidine 704 with tyrosine.
Molecular consequence: missense variant.
Genome position (GRCh38, 1-based): chr19:53,807,628, G>A on the plus strand (C>T on the coding strand, the complement: NLRP12 is on the minus strand). VCF-style: chr19-53807628-G-A. GRCh37 (hg19) VCF-style: chr19-54310882-G-A.
Other names: c.2110C>T (NM_144687.2); c.2113C>T, p.His705Tyr (NM_001277126.2); c.2110C>T, p.His704Tyr (NM_001277129.1); short protein forms H704Y, H705Y.
Identifiers: ClinVar variation 1492824 (VCV001492824.12), dbSNP rs1380366925, ClinGen allele CA407411389.